The following is an entry in ClinVar:

NM_014055.4(IFT81):c.926T>C (p.Leu309Pro)

Gene: IFT81 (intraflagellar transport 81; plus strand). Cytogenetic location: 12q24.11.
Variant type: single nucleotide variant.
Coding change: c.926T>C on transcript NM_014055.4 (MANE Select); coding-DNA position 926, T replaced by C.
Protein change: p.Leu309Pro; replaces leucine 309 with proline.
Molecular consequence: missense variant. On other transcripts: non-coding transcript variant (3), intron variant (2).
Genome position (GRCh38, 1-based): chr12:110,143,526, T>C. VCF-style: chr12-110143526-T-C. GRCh37 (hg19) VCF-style: chr12-110581331-T-C.
Other names: c.926T>C, p.Leu309Pro (NM_001143779.2, NM_001347946.2, NM_031473.4); c.16-3427T>C (NM_001347948.2, NM_001347947.2); short protein forms L309P.
Identifiers: ClinVar variation 1491596 (VCV001491596.4), dbSNP rs372365248, ClinGen allele CA6783214.
Genomic context (GRCh38, chr12:110,143,526, plus strand): 5'-AAAAGGAATTACATTTTTTACAAAAAGTAGTTTCAGAGCCAGCTATGGGCCATTCTGATC[T>C]TCTTGAACTTGAATCTAAAGTAAGTGAGAATCATCTTTTTATAGCTCTCAATTTTATCTG-3'
Protein context (NP_054774.2, residues 299-319): VSEPAMGHSD[Leu309Pro]LELESKINEI

ClinVar aggregate classification (germline): Uncertain significance (1 of 4 stars; one submission).

Allele frequency attached by ClinVar (database versions not stated): TOPMed 0.00002; ExAC 0.00003; gnomAD 0.00003; gnomAD exomes 0.00003 and 0.00004; ESP Exome Variant Server 0.00008; 1000 Genomes Project 0.00020; 1000 Genomes Project 30x 0.00031.
gnomAD v4.1: 55 of 1,555,764 alleles (0.0035%); highest among the groups gnomAD compares: Non-Finnish European, 0.0044%; no homozygotes.

Submission:

Labcorp Genetics (formerly Invitae), Labcorp
Classification: Uncertain significance. Last evaluated: 2025-04-28. Review status: criteria provided, single submitter. Criteria: Invitae Variant Classification Sherloc (09022015). Collection method: clinical testing. Allele origin: germline.
Comment: This sequence change replaces leucine, which is neutral and non-polar, with proline, which is neutral and non-polar, at codon 309 of the IFT81 protein (p.Leu309Pro). This variant is present in population databases (rs372365248, gnomAD 0.005%). This variant has not been reported in the literature in individuals affected with IFT81-related conditions. ClinVar contains an entry for this variant (Variation ID: 1491596). Invitae Evidence Modeling of protein sequence and biophysical properties (such as structural, functional, and spatial information, amino acid conservation, physicochemical variation, residue mobility, and thermodynamic stability) indicates that this missense variant is expected to disrupt IFT81 protein function with a positive predictive value of 80%. In summary, the available evidence is currently insufficient to determine the role of this variant in disease. Therefore, it has been classified as a Variant of Uncertain Significance.